The following is an entry in ClinVar:

ClinVar aggregate classification (germline): Uncertain significance (1 of 4 stars; one submission).

gnomAD v4.1: 49 of 1,613,846 alleles (0.003%); highest among the groups gnomAD compares: Non-Finnish European, 0.0031%; no homozygotes.

Submission:

Labcorp Genetics (formerly Invitae), Labcorp
Classification: Uncertain significance. Last evaluated: 2025-11-25. Review status: criteria provided, single submitter. Criteria: Invitae Variant Classification Sherloc (09022015). Collection method: clinical testing. Allele origin: germline.
Comment: This sequence change replaces arginine, which is basic and polar, with histidine, which is basic and polar, at codon 1936 of the SORL1 protein (p.Arg1936His). This variant is present in population databases (rs749176718, gnomAD 0.008%). This variant has not been reported in the literature in individuals affected with SORL1-related conditions. An algorithm developed to predict the effect of missense changes on protein structure and function (PolyPhen-2) suggests that this variant is likely to be disruptive. In summary, the available evidence is currently insufficient to determine the role of this variant in disease. Therefore, it has been classified as a Variant of Uncertain Significance.

NM_003105.6(SORL1):c.5807G>A (p.Arg1936His)

Gene: SORL1 (sortilin related receptor 1; plus strand). Cytogenetic location: 11q24.1.
Variant type: single nucleotide variant.
Coding change: c.5807G>A on transcript NM_003105.6 (MANE Select); coding-DNA position 5807, G replaced by A.
Protein change: p.Arg1936His; replaces arginine 1936 with histidine.
Molecular consequence: missense variant.
Genome position (GRCh38, 1-based): chr11:121,619,835, G>A. VCF-style: chr11-121619835-G-A. GRCh37 (hg19) VCF-style: chr11-121490544-G-A.
Other names: short protein forms R1936H.
Identifiers: ClinVar variation 4690334 (VCV004690334.1).
Genomic context (GRCh38, chr11:121,619,835, plus strand): 5'-AGGGGCCATCCTCTGACTACGTTGTAGTGAAGATGATCCCGGACAGCAGGCTTCCACCCC[G>A]TCACCTGCATGTGGTTCATACGGGCAAAACCTCCGTGGTCATCAAGTGGGAATCACCGTA-3'
Protein context (NP_003096.2, residues 1926-1946): KMIPDSRLPP[Arg1936His]HLHVVHTGKT